The following is an entry in ClinVar:

NM_001292063.2(OTOG):c.2272C>T (p.Arg758Cys)

Gene: OTOG (otogelin; plus strand). Cytogenetic location: 11p15.1.
Variant type: single nucleotide variant.
Coding change: c.2272C>T on transcript NM_001292063.2 (MANE Select); coding-DNA position 2272, C replaced by T.
Protein change: p.Arg758Cys; replaces arginine 758 with cysteine.
Molecular consequence: missense variant.
Genome position (GRCh38, 1-based): chr11:17,573,269, C>T. VCF-style: chr11-17573269-C-T. GRCh37 (hg19) VCF-style: chr11-17594816-C-T.
Other names: c.2308C>T, p.Arg770Cys (NM_001277269.2); short protein forms R758C, R770C.
Identifiers: ClinVar variation 1312550 (VCV001312550.5), dbSNP rs1184434567, ClinGen allele CA379770618.
Genomic context (GRCh38, chr11:17,573,269, plus strand): 5'-TGCGCCACACTGGCCCACTACGCCCACCTGTGCCGGCGCCATGGGCTCCCCGTTGATTTC[C>T]GCGCCCGCCTGCCAGCCTGTGGTGAGTGCCCCACCCATGTGAGGCTGAGCTGGAGGAGCC-3'
Protein context (NP_001278992.1, residues 748-768): CRRHGLPVDF[Arg758Cys]ARLPACALSC

ClinVar aggregate classification (germline): Uncertain significance. Review status: criteria provided, multiple submitters, no conflicts (2 of 4 stars). 2 submissions from 2 submitters: Uncertain significance (2). Last evaluated 2026-03-14.

Conditions:
OTOG-related disorder. Also called: OTOG-related condition.

Allele frequency attached by ClinVar (database versions not stated): gnomAD 0.00001; gnomAD exomes 0.00001 and 0.00002; TOPMed 0.00001.
gnomAD v4.1: 9 of 1,528,870 alleles (0.00059%); highest among the groups gnomAD compares: Middle Eastern, 0.018%; no homozygotes.

Submissions (2):

PreventionGenetics, part of Exact Sciences
Classification: Uncertain significance for OTOG-related condition. Last evaluated: 2026-03-14. Review status: criteria provided, single submitter. Criteria: ACMG Guidelines, 2015. Collection method: clinical testing. Allele origin: germline.
Comment: The OTOG c.2308C>T variant is predicted to result in the amino acid substitution p.Arg770Cys. To our knowledge, this variant has not been reported in the literature. This variant is reported in 0.0095% of alleles in individuals of East Asian descent in gnomAD. At this time, the clinical significance of this variant is uncertain due to the absence of conclusive functional and genetic evidence.

GeneDx
Classification: Uncertain significance. Last evaluated: 2025-05-08. Review status: criteria provided, single submitter. Criteria: GeneDx Variant Classification Process June 2021. Collection method: clinical testing. Allele origin: germline. Affected: yes.
Comment: In silico analysis supports that this missense variant has a deleterious effect on protein structure/function; Has not been previously published as pathogenic or benign to our knowledge